The following is an entry in ClinVar:

NM_014049.5(ACAD9):c.1358+2T>G

Gene: ACAD9 (acyl-CoA dehydrogenase family member 9; plus strand). Cytogenetic location: 3q21.3.
Variant type: single nucleotide variant.
Coding change: c.1358+2T>G on transcript NM_014049.5 (MANE Select); the canonical splice donor site of the intron after coding-DNA position 1358, T replaced by G.
Molecular consequence: splice donor variant.
Genome position (GRCh38, 1-based): chr3:128,908,266, T>G. VCF-style: chr3-128908266-T-G. GRCh37 (hg19) VCF-style: chr3-128627109-T-G.
Other names: c.989+2T>G (NM_001410805.1).
Identifiers: ClinVar variation 1473184 (VCV001473184.10), dbSNP rs2107661511, ClinGen allele CA354438135.
Genomic context (GRCh38, chr3:128,908,266, plus strand): 5'-ATGTACATCGCCCTGACGGGTCTGCAGCATGCCGGCCGCATCCTGACTACCAGGATCCAG[T>G]AGGTGCCATTGTCACCGTGTGCTTCTCAGGTCCCATACCTGCCCAGCAGGGGCCAGTCCA-3'

ClinVar aggregate classification (germline): Likely pathogenic. Review status: criteria provided, multiple submitters, no conflicts (2 of 4 stars). 3 submissions from 3 submitters: Likely pathogenic (3). Last evaluated 2024-03-27.

Conditions:
Acyl-CoA dehydrogenase 9 deficiency. Also called: MITOCHONDRIAL COMPLEX I DEFICIENCY, NUCLEAR TYPE 20; Acyl-CoA dehydrogenase family, member 9, deficiency of. Identifiers: Orphanet 99901, MedGen C4747517, MONDO:0012624, OMIM 611126.

Allele frequency attached by ClinVar (database versions not stated): gnomAD exomes below 0.00001.
gnomAD v4.1: 1 of 1,614,102 alleles (0.000062%); highest among the groups gnomAD compares: Non-Finnish European, 0.000085%; no homozygotes.

Submissions (3):

Baylor Genetics
Classification: Likely pathogenic for Acyl-CoA dehydrogenase 9 deficiency. Last evaluated: 2024-03-27. Review status: criteria provided, single submitter. Criteria: ACMG Guidelines, 2015. Collection method: clinical testing. Allele origin: unknown.

Fulgent Genetics
Classification: Likely pathogenic for Acyl-CoA dehydrogenase 9 deficiency. Last evaluated: 2024-03-20. Review status: criteria provided, single submitter. Criteria: ACMG Guidelines, 2015. Collection method: clinical testing. Allele origin: germline.

Labcorp Genetics (formerly Invitae), Labcorp
Classification: Likely pathogenic. Last evaluated: 2021-03-31. Review status: criteria provided, single submitter. Criteria: Invitae Variant Classification Sherloc (09022015). Collection method: clinical testing. Allele origin: germline.
Comment: In summary, the currently available evidence indicates that the variant is pathogenic, but additional data are needed to prove that conclusively. Therefore, this variant has been classified as Likely Pathogenic. Algorithms developed to predict the effect of sequence changes on RNA splicing suggest that this variant may disrupt the consensus splice site, but this prediction has not been confirmed by published transcriptional studies. This variant has not been reported in the literature in individuals with ACAD9-related conditions. This variant is not present in population databases (ExAC no frequency). This sequence change affects a donor splice site in intron 13 of the ACAD9 gene. It is expected to disrupt RNA splicing. Variants that disrupt the donor or acceptor splice site typically lead to a loss of protein function (PMID: 16199547), and loss-of-function variants in ACAD9 are known to be pathogenic (PMID: 25721401).

Literature cited by the submitters: PubMed 16199547 (cited by Labcorp Genetics (formerly Invitae), Labcorp); PubMed 25721401 (cited by Labcorp Genetics (formerly Invitae), Labcorp).